The following is an entry in ClinVar:

NM_006785.4(MALT1):c.806A>G (p.His269Arg)

Gene: MALT1 (MALT1 paracaspase; plus strand). Cytogenetic location: 18q21.32.
Variant type: single nucleotide variant.
Coding change: c.806A>G on transcript NM_006785.4 (MANE Select); coding-DNA position 806, A replaced by G.
Protein change: p.His269Arg; replaces histidine 269 with arginine.
Molecular consequence: missense variant.
Genome position (GRCh38, 1-based): chr18:58,709,534, A>G. VCF-style: chr18-58709534-A-G. GRCh37 (hg19) VCF-style: chr18-56376766-A-G.
Other names: c.806A>G, p.His269Arg (NM_173844.3); short protein forms H269R.
Identifiers: ClinVar variation 935215 (VCV000935215.7), dbSNP rs2054803110, ClinGen allele CA402573416.

ClinVar aggregate classification (germline): Uncertain significance (1 of 4 stars; one submission).

Conditions:
Combined immunodeficiency due to MALT1 deficiency. Also called: Immunodeficiency 12. Identifiers: Orphanet 397964, MedGen C3809583, MONDO:0014197, OMIM 615468.

Allele frequency attached by ClinVar (database versions not stated): gnomAD exomes below 0.00001.
gnomAD v4.1: 1 of 1,607,500 alleles (0.000062%); highest among the groups gnomAD compares: Non-Finnish European, 0.000085%; no homozygotes.

Submission:

Labcorp Genetics (formerly Invitae), Labcorp
Classification: Uncertain significance for Combined immunodeficiency due to MALT1 deficiency. Last evaluated: 2022-01-28. Review status: criteria provided, single submitter. Criteria: Invitae Variant Classification Sherloc (09022015). Collection method: clinical testing. Allele origin: germline.
Comment: Algorithms developed to predict the effect of missense changes on protein structure and function (SIFT, PolyPhen-2, Align-GVGD) all suggest that this variant is likely to be tolerated. ClinVar contains an entry for this variant (Variation ID: 935215). This variant has not been reported in the literature in individuals affected with MALT1-related conditions. This variant is not present in population databases (gnomAD no frequency). This sequence change replaces histidine, which is basic and polar, with arginine, which is basic and polar, at codon 269 of the MALT1 protein (p.His269Arg). Algorithms developed to predict the effect of sequence changes on RNA splicing suggest that this variant may create or strengthen a splice site. In summary, the available evidence is currently insufficient to determine the role of this variant in disease. Therefore, it has been classified as a Variant of Uncertain Significance.